The following is an entry in ClinVar:

ClinVar aggregate classification (germline): Pathogenic (1 of 4 stars; one submission).

Conditions:
Hereditary spastic paraplegia 61. Also called: Spastic paraplegia 61, autosomal recessive. Identifiers: Orphanet 401780, MedGen C3810294, MONDO:0014304, OMIM 615685.

Submission:

Labcorp Genetics (formerly Invitae), Labcorp
Classification: Pathogenic for Hereditary spastic paraplegia 61. Last evaluated: 2025-07-30. Review status: criteria provided, single submitter. Criteria: Invitae Variant Classification Sherloc (09022015). Collection method: clinical testing. Allele origin: germline.
Comment: This sequence change creates a premature translational stop signal (p.Leu67Argfs*13) in the ARL6IP1 gene. It is expected to result in an absent or disrupted protein product. Loss-of-function variants in ARL6IP1 are known to be pathogenic (PMID: 24482476, 27848944, 28471035). This variant is present in population databases (rs760485988, gnomAD 0.0009%). This variant has not been reported in the literature in individuals affected with ARL6IP1-related conditions. For these reasons, this variant has been classified as Pathogenic.

Literature cited by the submitters: PubMed 24482476; PubMed 27848944; PubMed 28471035.

NM_015161.3(ARL6IP1):c.198_202del (p.Leu67fs)

Gene: ARL6IP1 (ARL6 interacting reticulophagy regulator 1; minus strand). Cytogenetic location: 16p12.3.
Variant type: Microsatellite.
Coding change: c.198_202del on transcript NM_015161.3 (MANE Select); coding-DNA positions 198 to 202, 5 bases deleted (TCTGT; older notation c.198_202delTCTGT).
Protein change: p.Leu67fs; shifts the reading frame from leucine 67.
Molecular consequence: frameshift variant.
Genome position (GRCh38, 1-based): chr16:18,798,013-18,798,017, ACAGA deleted on the plus strand (TCTGT on the coding strand, the reverse complement: ARL6IP1 is on the minus strand); deleting any 5 consecutive bases within chr16:18,798,013-18,798,022 gives the same sequence; the c. name uses the placement nearest the transcript's 3' end. VCF-style (leftmost placement, unchanged base first): chr16-18798012-GACAGA-G. GRCh37 (hg19) VCF-style: chr16-18809334-GACAGA-G.
Other names: c.111_115del, p.Leu38fs (NM_001313858.1); short protein forms L38fs, L67fs.
Identifiers: ClinVar variation 4809175 (VCV004809175.1).